The following is an entry in ClinVar:

NM_203446.3(SYNJ1):c.2686G>T (p.Val896Leu)

Gene: SYNJ1 (synaptojanin 1; minus strand). Cytogenetic location: 21q22.11.
Variant type: single nucleotide variant.
Coding change: c.2686G>T on transcript NM_203446.3 (MANE Select); coding-DNA position 2686, G replaced by T.
Protein change: p.Val896Leu; replaces valine 896 with leucine.
Molecular consequence: missense variant.
Genome position (GRCh38, 1-based): chr21:32,656,796, C>A on the plus strand (G>T on the coding strand, the complement: SYNJ1 is on the minus strand). VCF-style: chr21-32656796-C-A. GRCh37 (hg19) VCF-style: chr21-34029106-C-A.
Other names: c.2686G>T, p.Val896Leu (NM_001160302.2); c.2671G>T, p.Val891Leu (NM_001160306.2); c.2803G>T, p.Val935Leu (NM_003895.4); short protein forms V935L, V896L, V891L.
Identifiers: ClinVar variation 2122869 (VCV002122869.4), dbSNP rs2517529715, ClinGen allele CA410073696.

ClinVar aggregate classification (germline): Uncertain significance (1 of 4 stars; one submission).

Conditions:
Developmental and epileptic encephalopathy, 53. Also called: Epileptic encephalopathy, early infantile, 53. Identifiers: MedGen C4479313, MONDO:0033362, OMIM 617389.
Early-onset Parkinson disease 20. Also called: PARKINSON DISEASE 20, AUTOSOMAL RECESSIVE EARLY-ONSET. Identifiers: Orphanet 391411, MedGen C3809824, MONDO:0014233, OMIM 615530.

gnomAD v4.1: 2 of 1,614,150 alleles (0.00012%); highest among the groups gnomAD compares: Non-Finnish European, 0.00017%; no homozygotes.

Submission:

Labcorp Genetics (formerly Invitae), Labcorp
Classification: Uncertain significance for Developmental and epileptic encephalopathy, 53; Early-onset Parkinson disease 20. Last evaluated: 2022-04-08. Review status: criteria provided, single submitter. Criteria: Invitae Variant Classification Sherloc (09022015). Collection method: clinical testing. Allele origin: germline.
Comment: In summary, the available evidence is currently insufficient to determine the role of this variant in disease. Therefore, it has been classified as a Variant of Uncertain Significance. Algorithms developed to predict the effect of missense changes on protein structure and function (SIFT, PolyPhen-2, Align-GVGD) all suggest that this variant is likely to be tolerated. This variant has not been reported in the literature in individuals affected with SYNJ1-related conditions. This variant is not present in population databases (gnomAD no frequency). This sequence change replaces valine, which is neutral and non-polar, with leucine, which is neutral and non-polar, at codon 935 of the SYNJ1 protein (p.Val935Leu).